The following is an entry in ClinVar:

NM_000038.6(APC):c.2762C>G (p.Ala921Gly)

Gene: APC (APC regulator of Wnt signaling pathway; plus strand). Cytogenetic location: 5q22.2.
Variant type: single nucleotide variant.
Coding change: c.2762C>G on transcript NM_000038.6 (MANE Select); coding-DNA position 2762, C replaced by G.
Protein change: p.Ala921Gly; replaces alanine 921 with glycine.
Molecular consequence: missense variant.
Genome position (GRCh38, 1-based): chr5:112,838,356, C>G. VCF-style: chr5-112838356-C-G. GRCh37 (hg19) VCF-style: chr5-112174053-C-G.
Other names: c.2762C>G, p.Ala921Gly (NM_001127510.3, NM_001354895.2); c.2708C>G, p.Ala903Gly (NM_001127511.3); c.2816C>G, p.Ala939Gly (NM_001354896.2); c.2792C>G, p.Ala931Gly (NM_001354897.2); c.2687C>G, p.Ala896Gly (NM_001354898.2); c.2678C>G, p.Ala893Gly (NM_001354899.2); c.2639C>G, p.Ala880Gly (NM_001354900.2); c.2585C>G, p.Ala862Gly (NM_001354901.2); and 5 more; short protein forms A761G, A880G, A939G, A795G, A893G, A931G, A830G, A862G.
Identifiers: ClinVar variation 837656 (VCV000837656.52), dbSNP rs1290319784, ClinGen allele CA16027360.

ClinVar aggregate classification (germline): Uncertain significance. Review status: criteria provided, multiple submitters, no conflicts (2 of 4 stars). 3 submissions from 3 submitters: Uncertain significance (3). Last evaluated 2025-09-22.

Conditions:
Familial adenomatous polyposis 1 (FAP1). Also called: FAMILIAL ADENOMATOUS POLYPOSIS 1, ATTENUATED; POLYPOSIS, ADENOMATOUS INTESTINAL. Identifiers: MedGen C2713442, MONDO:0021056, OMIM 175100. Disease mechanism: loss of function.
Hereditary cancer-predisposing syndrome. Also called: Neoplastic Syndromes, Hereditary; Tumor predisposition; Hereditary neoplastic syndrome; Hereditary Cancer Syndrome. Identifiers: Orphanet 140162, MedGen C0027672, MeSH D009386, MONDO:0015356.

Allele frequency attached by ClinVar (database versions not stated): gnomAD exomes below 0.00001.
gnomAD v4.1: 1 of 1,614,150 alleles (0.000062%); no homozygotes.

Submissions (3):

Labcorp Genetics (formerly Invitae), Labcorp
Classification: Uncertain significance for Familial adenomatous polyposis 1. Last evaluated: 2025-09-22. Review status: criteria provided, single submitter. Criteria: Invitae Variant Classification Sherloc (09022015). Collection method: clinical testing. Allele origin: germline.
Comment: This sequence change replaces alanine, which is neutral and non-polar, with glycine, which is neutral and non-polar, at codon 921 of the APC protein (p.Ala921Gly). This variant is present in population databases (no rsID available, gnomAD 0.01%). This variant has not been reported in the literature in individuals affected with APC-related conditions. ClinVar contains an entry for this variant (Variation ID: 837656). Invitae Evidence Modeling of protein sequence and biophysical properties (such as structural, functional, and spatial information, amino acid conservation, physicochemical variation, residue mobility, and thermodynamic stability) indicates that this missense variant is not expected to disrupt APC protein function with a negative predictive value of 95%. In summary, the available evidence is currently insufficient to determine the role of this variant in disease. Therefore, it has been classified as a Variant of Uncertain Significance.

Ambry Genetics
Classification: Uncertain significance for Hereditary cancer-predisposing syndrome. Last evaluated: 2025-08-28. Review status: criteria provided, single submitter. Criteria: Ambry Variant Classification Scheme 2023. Collection method: clinical testing. Allele origin: germline.
Comment: The p.A921G variant (also known as c.2762C>G), located in coding exon 15 of the APC gene, results from a C to G substitution at nucleotide position 2762. The alanine at codon 921 is replaced by glycine, an amino acid with similar properties. This amino acid position is not well conserved in available vertebrate species. In addition, in silico predictors for this gene do not accurately predict pathogenicity. Missense alterations in APC are not a common cause of disease (Spier I et al. Genet Med. 2024 Feb;26(2):100992). Based on the available evidence, the clinical significance of this variant remains unclear.

Quest Diagnostics Nichols Institute San Juan Capistrano
Classification: Uncertain significance. Last evaluated: 2023-06-08. Review status: criteria provided, single submitter. Criteria: Quest Diagnostics criteria. Collection method: clinical testing. Allele origin: unknown.
Comment: To the best of our knowledge, this variant has not been reported in the published literature. The frequency of this variant in the general population, 0.000004 (1/251022 chromosomes (Genome Aggregation Database)), is uninformative in the assessment of its pathogenicity. Analysis of this variant using bioinformatics tools for the prediction of the effect of amino acid changes on protein structure and function yielded predictions that this variant is benign. Based on the available information, we are unable to determine the clinical significance of this variant.